The following is an entry in ClinVar:

ClinVar aggregate classification (germline): Pathogenic (1 of 4 stars; one submission).

Conditions:
Angelman syndrome (AS). Also called: HAPPY PUPPET SYNDROME. Identifiers: Orphanet 72, MedGen C0162635, MONDO:0007113, OMIM 105830. Disease mechanism: loss of function. Inheritance: imprinting disorder, AS is caused by disruption of maternally imprinted UBE3A located within the 15q11.2-q13 Angelman syndrome/Prader-Willi syndrome (AS/PWS) region..

Submission:

Labcorp Genetics (formerly Invitae), Labcorp
Classification: Pathogenic for Angelman syndrome. Last evaluated: 2022-03-21. Review status: criteria provided, single submitter. Criteria: Invitae Variant Classification Sherloc (09022015). Collection method: clinical testing. Allele origin: germline.
Comment: For these reasons, this variant has been classified as Pathogenic. This variant has not been reported in the literature in individuals affected with UBE3A-related conditions. This variant is a gross deletion of the genomic region encompassing exon(s) 1-3 of the UBE3A gene, which includes the initiator codon. This deletion extends beyond the assayed region for this gene and therefore may encompass additional genes. It is expected to result in an absent or disrupted protein product. Loss-of-function variants in UBE3A are known to be pathogenic (PMID: 25212744).

Literature cited by the submitters: PubMed 25212744.

NC_000015.9:g.(?_25615693)_(25650609_?)del

Gene: UBE3A (ubiquitin protein ligase E3A; minus strand). Cytogenetic location: 15q11.2.
Variant type: Deletion.
Identifiers: ClinVar variation 2427202 (VCV002427202.4).